The following is an entry in ClinVar:

ClinVar aggregate classification (germline): Likely benign. Review status: criteria provided, single submitter (1 of 4 stars). 2 submissions from 2 submitters: Likely benign (1). 1 of the submissions does not count toward it. Last evaluated 2018-05-25.

Conditions:
COL13A1-related disorder. Also called: COL13A1-related condition.

Allele frequency attached by ClinVar (database versions not stated): gnomAD 0.00002; TOPMed 0.00002; gnomAD exomes 0.00004.
gnomAD v4.1: 53 of 1,552,254 alleles (0.0034%); highest among the groups gnomAD compares: Non-Finnish European, 0.0044%; no homozygotes.

Submissions (2):

Labcorp Genetics (formerly Invitae), Labcorp
Classification: Likely benign. Last evaluated: 2018-05-25. Review status: criteria provided, single submitter. Criteria: Invitae Variant Classification Sherloc (09022015). Collection method: clinical testing. Allele origin: germline.

PreventionGenetics, part of Exact Sciences
Classification: Likely benign for COL13A1-related condition. Last evaluated: 2019-07-12. Review status: no assertion criteria provided. Collection method: clinical testing. Allele origin: germline. Not counted in ClinVar's aggregate classification.
Comment: This variant is classified as likely benign based on ACMG/AMP sequence variant interpretation guidelines (Richards et al. 2015 PMID: 25741868, with internal and published modifications).

NM_001368882.1(COL13A1):c.1770+10G>A

Gene: COL13A1 (collagen type XIII alpha 1 chain; plus strand). Cytogenetic location: 10q22.1.
Variant type: single nucleotide variant.
Coding change: c.1770+10G>A on transcript NM_001368882.1 (MANE Select); 10 bases into the intron after coding-DNA position 1770, G replaced by A.
Molecular consequence: intron variant.
Genome position (GRCh38, 1-based): chr10:69,935,401, G>A. VCF-style: chr10-69935401-G-A. GRCh37 (hg19) VCF-style: chr10-71695157-G-A.
Other names: c.1662+10G>A (NM_001320951.2); c.1621-1355G>A (NM_001368884.1); c.1737+10G>A (NM_001130103.2); c.1671+10G>A (NM_080801.4); c.1626+10G>A (NM_080802.4); c.1680+10G>A (NM_080800.4); c.1062+10G>A (NM_001368886.1); c.1648-1355G>A (NM_001368883.1); and 7 more.
Identifiers: ClinVar variation 748916 (VCV000748916.5), dbSNP rs759124871, ClinGen allele CA5534912.